The following is an entry in ClinVar:

NM_021999.5(ITM2B):c.295A>G (p.Ile99Val)

Gene: ITM2B (integral membrane protein 2B; plus strand). Cytogenetic location: 13q14.2.
Variant type: single nucleotide variant.
Coding change: c.295A>G on transcript NM_021999.5 (MANE Select); coding-DNA position 295, A replaced by G.
Protein change: p.Ile99Val; replaces isoleucine 99 with valine.
Molecular consequence: missense variant.
Genome position (GRCh38, 1-based): chr13:48,256,225, A>G. VCF-style: chr13-48256225-A-G. GRCh37 (hg19) VCF-style: chr13-48830361-A-G.
Other names: short protein forms I99V.
Identifiers: ClinVar variation 2058527 (VCV002058527.4), dbSNP rs2542057190, ClinGen allele CA388251128.

ClinVar aggregate classification (germline): Uncertain significance (1 of 4 stars; one submission).

Allele frequency attached by ClinVar (database versions not stated): gnomAD exomes below 0.00001.
gnomAD v4.1: 2 of 1,613,934 alleles (0.00012%); highest among the groups gnomAD compares: Non-Finnish European, 0.00017%; no homozygotes.

Submission:

Labcorp Genetics (formerly Invitae), Labcorp
Classification: Uncertain significance. Last evaluated: 2021-12-31. Review status: criteria provided, single submitter. Criteria: Invitae Variant Classification Sherloc (09022015). Collection method: clinical testing. Allele origin: germline.
Comment: This sequence change replaces isoleucine, which is neutral and non-polar, with valine, which is neutral and non-polar, at codon 99 of the ITM2B protein (p.Ile99Val). This variant is not present in population databases (gnomAD no frequency). This variant has not been reported in the literature in individuals affected with ITM2B-related conditions. Algorithms developed to predict the effect of missense changes on protein structure and function output the following: SIFT: "Tolerated"; PolyPhen-2: "Benign"; Align-GVGD: "Class C0". The valine amino acid residue is found in multiple mammalian species, which suggests that this missense change does not adversely affect protein function. In summary, the available evidence is currently insufficient to determine the role of this variant in disease. Therefore, it has been classified as a Variant of Uncertain Significance.